The following is an entry in ClinVar:

ClinVar aggregate classification (germline): Likely pathogenic (1 of 4 stars; one submission).

Conditions:
Charcot-Marie-Tooth disease type 2. Also called: Charcot-Marie-Tooth type 2. Identifiers: Orphanet 64746, MedGen C0270914, MONDO:0018993.

Allele frequency attached by ClinVar (database versions not stated): TOPMed below 0.00001.

Submission:

Labcorp Genetics (formerly Invitae), Labcorp
Classification: Likely pathogenic for Charcot-Marie-Tooth disease type 2. Last evaluated: 2025-09-14. Review status: criteria provided, single submitter. Criteria: Invitae Variant Classification Sherloc (09022015). Collection method: clinical testing. Allele origin: germline.
Comment: This sequence change replaces glycine, which is neutral and non-polar, with valine, which is neutral and non-polar, at codon 150 of the MFN2 protein (p.Gly150Val). This variant is not present in population databases (gnomAD no frequency). This missense change has been observed in individual(s) with clinical features of Charcot-Marie-Tooth disease (internal data). In at least one individual the data is consistent with being in trans (on the opposite chromosome) from a pathogenic variant. ClinVar contains an entry for this variant (Variation ID: 408324). Invitae Evidence Modeling of protein sequence and biophysical properties (such as structural, functional, and spatial information, amino acid conservation, physicochemical variation, residue mobility, and thermodynamic stability) indicates that this missense variant is expected to disrupt MFN2 protein function with a positive predictive value of 95%. In summary, the currently available evidence indicates that the variant is pathogenic, but additional data are needed to prove that conclusively. Therefore, this variant has been classified as Likely Pathogenic.

NM_014874.4(MFN2):c.449G>T (p.Gly150Val)

Gene: MFN2 (mitofusin 2; plus strand). Cytogenetic location: 1p36.22.
Variant type: single nucleotide variant.
Coding change: c.449G>T on transcript NM_014874.4 (MANE Select); coding-DNA position 449, G replaced by T.
Protein change: p.Gly150Val; replaces glycine 150 with valine.
Molecular consequence: missense variant.
Genome position (GRCh38, 1-based): chr1:11,996,293, G>T. VCF-style: chr1-11996293-G-T. GRCh37 (hg19) VCF-style: chr1-12056350-G-T.
Other names: c.449G>T, p.Gly150Val (NM_001127660.2); short protein forms G150V.
Identifiers: ClinVar variation 408324 (VCV000408324.9), dbSNP rs1060501918, ClinGen allele CA16609865.